The following is an entry in ClinVar:

NM_017563.5(IL17RD):c.1333G>A (p.Gly445Arg)

Genes: IL17RD (interleukin 17 receptor D; minus strand), LOC126806689 (BRD4-independent group 4 enhancer GRCh37_chr3:57131244-57132443; plus strand). Cytogenetic location: 3p14.3.
Variant type: single nucleotide variant.
Coding change: c.1333G>A on transcript NM_017563.5 (MANE Select); coding-DNA position 1333, G replaced by A.
Protein change: p.Gly445Arg; replaces glycine 445 with arginine.
Molecular consequence: missense variant.
Genome position (GRCh38, 1-based): chr3:57,098,370, C>T on the plus strand (G>A on the coding strand, the complement: IL17RD is on the minus strand). VCF-style: chr3-57098370-C-T. GRCh37 (hg19) VCF-style: chr3-57132398-C-T.
Other names: c.1333G>A, p.Gly445Arg (NM_001080973.1); c.901G>A, p.Gly301Arg (NM_001318864.2); short protein forms G301R, G445R.
Identifiers: ClinVar variation 3016968 (VCV003016968.4), dbSNP rs747667507, ClinGen allele CA2462757.
Genomic context (GRCh38, chr3:57,098,370, plus strand): 5'-TGGCCTGGCGGAGCTTTTCGGCAATGGCTGACACCGCCACCAGGAAGAGCTCTCCTTTCC[C>T]CGAGCCTCGGCCACCTCCTTTGTGTTTGTAGTTCTTCTTGTCCACAAAGTACTTCATACC-3'
Protein context (NP_060033.3, residues 435-455): YKHKGGGRGS[Gly445Arg]KGELFLVAVS

ClinVar aggregate classification (germline): Uncertain significance. Review status: criteria provided, multiple submitters, no conflicts (2 of 4 stars). 2 submissions from 2 submitters: Uncertain significance (2). Last evaluated 2026-02-10.

Allele frequency attached by ClinVar (database versions not stated): gnomAD 0.00001; gnomAD exomes 0.00001; ExAC 0.00002; TOPMed 0.00002.
gnomAD v4.1: 11 of 1,613,938 alleles (0.00068%); highest among the groups gnomAD compares: Non-Finnish European, 0.00093%; no homozygotes.

Submissions (2):

Women's Health and Genetics/Laboratory Corporation of America, LabCorp
Classification: Uncertain significance. Last evaluated: 2026-02-10. Review status: criteria provided, single submitter. Criteria: LabCorp Variant Classification Summary - May 2015. Collection method: clinical testing. Allele origin: germline.
Comment: Variant summary: IL17RD c.1333G>A (p.Gly445Arg) results in a non-conservative amino acid change in the encoded protein sequence. Algorithms developed to predict the effect of missense changes on protein structure and function are either unavailable or do not agree on the potential impact of this missense change. The variant allele was found at a frequency of 1.6e-05 in 251086 control chromosomes. The available data on variant occurrences in the general population are insufficient to allow any conclusion about variant significance. To our knowledge, no occurrence of c.1333G>A in individuals affected with IL17RD-related conditions and no experimental evidence demonstrating its impact on protein function have been reported. ClinVar contains an entry for this variant (Variation ID: 3016968). Based on the evidence outlined above, the variant was classified as uncertain significance.

Labcorp Genetics (formerly Invitae), Labcorp
Classification: Uncertain significance. Last evaluated: 2023-03-21. Review status: criteria provided, single submitter. Criteria: Invitae Variant Classification Sherloc (09022015). Collection method: clinical testing. Allele origin: germline.
Comment: In summary, the available evidence is currently insufficient to determine the role of this variant in disease. Therefore, it has been classified as a Variant of Uncertain Significance. This sequence change replaces glycine, which is neutral and non-polar, with arginine, which is basic and polar, at codon 445 of the IL17RD protein (p.Gly445Arg). This variant is present in population databases (rs747667507, gnomAD 0.004%). This variant has not been reported in the literature in individuals affected with IL17RD-related conditions. Advanced modeling of protein sequence and biophysical properties (such as structural, functional, and spatial information, amino acid conservation, physicochemical variation, residue mobility, and thermodynamic stability) performed at Invitae indicates that this missense variant is not expected to disrupt IL17RD protein function.